The following is an entry in ClinVar:

ClinVar aggregate classification (germline): Benign (1 of 4 stars; one submission).

Conditions:
Cutis laxa with osteodystrophy (ARCL2A). Also called: Debré-Type Cutis Laxa; CUTIS LAXA WITH CONGENITAL DISORDER OF GLYCOSYLATION; CUTIS LAXA, AUTOSOMAL RECESSIVE, TYPE IIA; CUTIS LAXA WITH BONE DYSTROPHY; CUTIS LAXA WITH GROWTH AND DEVELOPMENTAL DELAY; CUTIS LAXA WITH JOINT LAXITY AND RETARDED DEVELOPMENT. Identifiers: Orphanet 357058, MedGen C0268355, MONDO:0018163, OMIM 219200. Disease mechanism: loss of function.

Allele frequency attached by ClinVar (database versions not stated): 1000 Genomes Project 0.01558; gnomAD 0.01582; TOPMed 0.01725.

Submission:

Illumina Laboratory Services, Illumina
Classification: Benign for Cutis laxa with osteodystrophy. Last evaluated: 2018-01-13. Review status: criteria provided, single submitter. Criteria: ICSL Variant Classification Criteria 13 December 2019. Collection method: clinical testing. Allele origin: germline.
Comment: This variant was observed in the ICSL laboratory as part of a predisposition screen in an ostensibly healthy population. It had not been previously curated by ICSL or reported in the Human Gene Mutation Database (HGMD: prior to June 1st, 2018), and was therefore a candidate for classification through an automated scoring system. Utilizing variant allele frequency, disease prevalence and penetrance estimates, and inheritance mode, an automated score was calculated to assess if this variant is too frequent to cause the disease. Based on the score and internal cut-off values, a variant classified as benign is not then subjected to further curation. The score for this variant resulted in a classification of benign for this disease.

NM_012463.4(ATP6V0A2):c.*1205C>G

Gene: ATP6V0A2 (ATPase H+ transporting V0 subunit a2; plus strand). Cytogenetic location: 12q24.31.
Variant type: single nucleotide variant.
Coding change: c.*1205C>G on transcript NM_012463.4 (MANE Select); 1205 bases downstream of the stop codon, C replaced by G.
Molecular consequence: 3 prime UTR variant.
Genome position (GRCh38, 1-based): chr12:123,759,237, C>G. VCF-style: chr12-123759237-C-G. GRCh37 (hg19) VCF-style: chr12-124243784-C-G.
Identifiers: ClinVar variation 307611 (VCV000307611.5), dbSNP rs6488903, ClinGen allele CA10636748.